The following is an entry in ClinVar:

ClinVar aggregate classification (germline): Likely pathogenic (1 of 4 stars; one submission).

Conditions:
Blepharocheilodontic syndrome 2 (BCDS2). Identifiers: MedGen C4540127, MONDO:0040503, OMIM 617681.

Submission:

3billion
Classification: Likely pathogenic for Blepharocheilodontic syndrome 2. Last evaluated: 2024-08-29. Review status: criteria provided, single submitter. Criteria: ACMG Guidelines, 2015. Collection method: clinical testing. Allele origin: germline. Affected: yes.
Comment: The variant is not observed in the gnomAD v4.0.0 dataset. Predicted Consequence/Location: Frameshift: predicted to result in a loss or disruption of normal protein function through nonsense-mediated decay (NMD) or protein truncation. Multiple pathogenic variants are reported downstream of the variant. Therefore, this variant is classified as Likely pathogenic according to the recommendation of ACMG/AMP guideline.

NM_001085458.2(CTNND1):c.2076_2077del (p.Ala693fs)

Genes: CTNND1 (catenin delta 1; plus strand), TMX2-CTNND1 (TMX2-CTNND1 readthrough (NMD candidate); plus strand). Cytogenetic location: 11q12.1.
Variant type: Microsatellite.
Coding change: c.2076_2077del on transcript NM_001085458.2 (MANE Select); coding-DNA positions 2076 to 2077, 2 bases deleted (TG; older notation c.2076_2077delTG).
Protein change: p.Ala693fs; shifts the reading frame from alanine 693.
Molecular consequence: frameshift variant. On other transcripts: non-coding transcript variant (1).
Genome position (GRCh38, 1-based): chr11:57,808,277-57,808,278, TG deleted; deleting any 2 consecutive bases within chr11:57,808,273-57,808,278 gives the same sequence; the c. name uses the placement nearest the transcript's 3' end. VCF-style (leftmost placement, unchanged base first): chr11-57808272-TTG-T. GRCh37 (hg19) VCF-style: chr11-57575744-TTG-T.
Other names: c.2058_2059del, p.Ala687fs (NM_001085459.2, NM_001085460.2, NM_001085461.2 and 2 more transcripts); c.1773_1774del, p.Ala592fs (NM_001085463.2, NM_001085466.2); c.1755_1756del, p.Ala586fs (NM_001085464.2, NM_001085465.2, NM_001085467.2 and 3 more transcripts); c.1914_1915del, p.Ala639fs (NM_001206883.2, NM_001206884.2); c.2076_2077del, p.Ala693fs (NM_001206885.2); c.1896_1897del, p.Ala633fs (NM_001206886.2, NM_001206887.2, NM_001206888.2 and 2 more transcripts); short protein forms A586fs, A592fs, A633fs, A639fs, A687fs, A693fs.
Identifiers: ClinVar variation 4291712 (VCV004291712.1).